The following is an entry in ClinVar:

NM_000492.4(CFTR):c.2547C>A (p.Tyr849Ter)

Gene: CFTR (CF transmembrane conductance regulator; plus strand). Cytogenetic location: 7q31.2.
Variant type: single nucleotide variant.
Coding change: c.2547C>A on transcript NM_000492.4 (MANE Select); coding-DNA position 2547, C replaced by A.
Protein change: p.Tyr849Ter; replaces tyrosine 849 with a stop codon.
Molecular consequence: nonsense.
Genome position (GRCh38, 1-based): chr7:117,594,986, C>A. VCF-style: chr7-117594986-C-A. GRCh37 (hg19) VCF-style: chr7-117235040-C-A.
Other names: short protein forms Y849*.
Identifiers: ClinVar variation 53509 (VCV000053509.11), dbSNP rs397508394, ClinGen allele CA326841.
Genomic context (GRCh38, chr7:117,594,986, plus strand): 5'-TCAGGAGTGCTTTTTTGATGATATGGAGAGCATACCAGCAGTGACTACATGGAACACATA[C>A]CTTCGATATATTACTGTCCACAAGAGCTTAATTTTTGTGCTAATTTGGTGCTTAGTAATT-3'

ClinVar aggregate classification (germline): Pathogenic. Review status: reviewed by expert panel (3 of 4 stars). 8 submissions from 8 submitters: Pathogenic (1). 7 of the submissions do not count toward it. Last evaluated 2017-03-17.

Conditions:
CFTR-related disorder (CFTR-RD). Also called: CFTR-related condition; CFTR-related disorders. Identifiers: MedGen C5924204, MONDO:7770004.
Cystic fibrosis (CF). Also called: MUCOVISCIDOSIS. Identifiers: Orphanet 586, MedGen C0010674, MONDO:0009061, OMIM 219700. Disease mechanism: loss of function.

gnomAD v4.1: 1 of 1,612,640 alleles (0.000062%); highest among the groups gnomAD compares: Non-Finnish European, 0.000085%; no homozygotes.

Submissions (8):

CFTR2
Classification: Pathogenic for Cystic fibrosis. Last evaluated: 2017-03-17. Review status: reviewed by expert panel. Criteria: Sosnay PR et al. (Nat Genet 2013). Collection method: research. Allele origin: germline. Affected: yes. Study: CFTR2.

Labcorp Genetics (formerly Invitae), Labcorp
Classification: Pathogenic for Cystic fibrosis. Last evaluated: 2025-07-31. Review status: criteria provided, single submitter. Criteria: Invitae Variant Classification Sherloc (09022015). Collection method: clinical testing. Allele origin: germline. Not counted in ClinVar's aggregate classification.
Comment: This sequence change creates a premature translational stop signal (p.Tyr849*) in the CFTR gene. It is expected to result in an absent or disrupted protein product. Loss-of-function variants in CFTR are known to be pathogenic (PMID: 1695717, 7691345, 9725922). This variant is not present in population databases (gnomAD no frequency). This premature translational stop signal has been observed in individual(s) with cystic fibrosis (PMID: 10477439, 32539862, 34782259). ClinVar contains an entry for this variant (Variation ID: 53509). For these reasons, this variant has been classified as Pathogenic.

Women's Health and Genetics/Laboratory Corporation of America, LabCorp
Classification: Pathogenic for Cystic fibrosis. Last evaluated: 2025-02-18. Review status: criteria provided, single submitter. Criteria: LabCorp Variant Classification Summary - May 2015. Collection method: clinical testing. Allele origin: germline. Not counted in ClinVar's aggregate classification.
Comment: Variant summary: CFTR c.2547C>A (p.Tyr849X) results in a premature termination codon, predicted to cause a truncation of the encoded protein or absence of the protein due to nonsense mediated decay, which are commonly known mechanisms for disease. The variant was absent in 251328 control chromosomes. c.2547C>A has been reported in the literature in individuals affected with Cystic Fibrosis (example: Liu_2020). The following publication has been ascertained in the context of this evaluation (PMID: 32539862). ClinVar contains an entry for this variant (Variation ID: 53509). Based on the evidence outlined above, the variant was classified as pathogenic.

Natera, Inc.
Classification: Pathogenic for CFTR-related disorders. Last evaluated: 2024-07-05. Review status: criteria provided, single submitter. Criteria: Natera Variant Classification Schema (03/2026). Collection method: clinical testing. Allele origin: germline. Not counted in ClinVar's aggregate classification.
Comment: The c.2547C>A variant in CFTR is a nonsense variant predicted to introduce a stop codon at amino acid 849. This variant is expected to result in nonsense mediated decay, truncation, or a dysfunctional protein product. This variant is rare in the general population with a frequency below the threshold expected for the associated phenotype(s). This variant has been observed in one or more individuals affected with the associated recessive disease, as either homozygous or compound heterozygous with a second variant (PMID: 21215918, 10477439, 23470247). Given the available evidence, this variant is classified as Pathogenic.

Genomic Medicine Center of Excellence, King Faisal Specialist Hospital and Research Centre
Classification: Pathogenic for Cystic fibrosis. Last evaluated: 2024-03-25. Review status: criteria provided, single submitter. Criteria: ACMG Guidelines, 2015. Collection method: clinical testing. Allele origin: germline. Not counted in ClinVar's aggregate classification.

CFTR-France
Classification: Pathogenic for cystic fibrosis; CFTR-related disorders. Last evaluated: 2018-01-29. Review status: criteria provided, single submitter. Criteria: Claustres M et al. (Hum Mutat 2017). Collection method: curation. Allele origin: germline. Affected: yes. Not counted in ClinVar's aggregate classification.
Comment: the variant causes a phenotype but regarding our data, we can't formally attribute it to CF, CFTR-RD or both

PreventionGenetics, part of Exact Sciences
Classification: Pathogenic for CFTR-related condition. Last evaluated: 2023-12-19. Review status: no assertion criteria provided. Collection method: clinical testing. Allele origin: germline. Not counted in ClinVar's aggregate classification.
Comment: The CFTR c.2547C>A variant is predicted to result in premature protein termination (p.Tyr849*). This variant was reported in an individual with cystic fibrosis (see for example - Liu et al. 2020. PubMed ID: 32539862; Table S1, Raraigh et al. 2021. PubMed ID: 34782259). This variant has not been reported in a large population database, indicating this variant is rare. Nonsense variants in CFTR are expected to be pathogenic. This variant is interpreted as pathogenic.

Counsyl
Classification: Pathogenic for Cystic fibrosis. Last evaluated: 2017-01-11. Review status: no assertion criteria provided. Collection method: clinical testing. Allele origin: unknown. Not counted in ClinVar's aggregate classification.

Literature cited by the submitters: PubMed 1695717 (cited by Labcorp Genetics (formerly Invitae), Labcorp); PubMed 7691345 (cited by Labcorp Genetics (formerly Invitae), Labcorp); PubMed 9725922 (cited by Labcorp Genetics (formerly Invitae), Labcorp); PubMed 10477439 (cited by Labcorp Genetics (formerly Invitae), Labcorp and Natera, Inc.); PubMed 32539862 (cited by Labcorp Genetics (formerly Invitae), Labcorp and Women's Health and Genetics/Laboratory Corporation of America, LabCorp); PubMed 34782259 (cited by Labcorp Genetics (formerly Invitae), Labcorp); PubMed 21215918 (cited by Natera, Inc.); PubMed 23470247 (cited by Natera, Inc.).